The following is an entry in ClinVar:

NM_018127.7(ELAC2):c.1820C>T (p.Ala607Val)

Gene: ELAC2 (elaC ribonuclease Z 2; minus strand). Cytogenetic location: 17p12.
Variant type: single nucleotide variant.
Coding change: c.1820C>T on transcript NM_018127.7 (MANE Select); coding-DNA position 1820, C replaced by T.
Protein change: p.Ala607Val; replaces alanine 607 with valine.
Molecular consequence: missense variant.
Genome position (GRCh38, 1-based): chr17:12,995,051, G>A on the plus strand (C>T on the coding strand, the complement: ELAC2 is on the minus strand). VCF-style: chr17-12995051-G-A. GRCh37 (hg19) VCF-style: chr17-12898368-G-A.
Other names: c.1700C>T, p.Ala567Val (NM_001165962.2); c.1817C>T, p.Ala606Val (NM_173717.2); short protein forms A567V, A606V, A607V.
Identifiers: ClinVar variation 1393953 (VCV001393953.8), dbSNP rs913207452, ClinGen allele CA288076702.
Genomic context (GRCh38, chr17:12,995,051, plus strand): 5'-GAACTGATCAATCTTTCCACTGCAGGACTGGAGATCTCAGCCCCTTCCTGAAGGCATTTG[G>A]CAGGAATCATACTGTAAAAAGACAAAACATTTAAAATGATAATAAACGTTTCTTGGACAT-3'
Protein context (NP_060597.4, residues 597-617): EVLHHISMIP[Ala607Val]KCLQEGAEIS

ClinVar aggregate classification (germline): Uncertain significance (1 of 4 stars; one submission).

Conditions:
Combined oxidative phosphorylation defect type 17. Also called: Combined oxidative phosphorylation deficiency 17. Identifiers: Orphanet 369913, MedGen C3809526, MONDO:0014190, OMIM 615440.

Allele frequency attached by ClinVar (database versions not stated): gnomAD exomes below 0.00001 and 0.00001.
gnomAD v4.1: 7 of 1,614,110 alleles (0.00043%); highest among the groups gnomAD compares: Non-Finnish European, 0.00051%; no homozygotes.

Submission:

Labcorp Genetics (formerly Invitae), Labcorp
Classification: Uncertain significance for Combined oxidative phosphorylation defect type 17. Last evaluated: 2021-06-09. Review status: criteria provided, single submitter. Criteria: Invitae Variant Classification Sherloc (09022015). Collection method: clinical testing. Allele origin: germline.
Comment: Algorithms developed to predict the effect of missense changes on protein structure and function (SIFT, PolyPhen-2, Align-GVGD) all suggest that this variant is likely to be tolerated, but these predictions have not been confirmed by published functional studies and their clinical significance is uncertain. In summary, the available evidence is currently insufficient to determine the role of this variant in disease. Therefore, it has been classified as a Variant of Uncertain Significance. This variant has not been reported in the literature in individuals with ELAC2-related conditions. This variant is not present in population databases (ExAC no frequency). This sequence change replaces alanine with valine at codon 607 of the ELAC2 protein (p.Ala607Val). The alanine residue is moderately conserved and there is a small physicochemical difference between alanine and valine.